The following is an entry in ClinVar:

NM_002230.4(JUP):c.129G>A (p.Met43Ile)

Gene: JUP (junction plakoglobin; minus strand). Cytogenetic location: 17q21.2.
Variant type: single nucleotide variant.
Coding change: c.129G>A on transcript NM_002230.4 (MANE Select); coding-DNA position 129, G replaced by A.
Protein change: p.Met43Ile; replaces methionine 43 with isoleucine.
Molecular consequence: missense variant.
Genome position (GRCh38, 1-based): chr17:41,771,726, C>T on the plus strand (G>A on the coding strand, the complement: JUP is on the minus strand). VCF-style: chr17-41771726-C-T. GRCh37 (hg19) VCF-style: chr17-39927978-C-T.
Other names: c.129G>A, p.Met43Ile (NM_001352773.2, NM_001352774.2, NM_001352775.2 and 3 more transcripts); c.129G>A (NM_002230.2, NM_021991.2); short protein forms M43I.
Identifiers: ClinVar variation 1059332 (VCV001059332.11), dbSNP rs1555606996, ClinGen allele CA399506883.

ClinVar aggregate classification (germline): Uncertain significance. Review status: criteria provided, multiple submitters, no conflicts (2 of 4 stars). 3 submissions from 3 submitters: Uncertain significance (2). 1 of the submissions does not count toward it. Last evaluated 2025-04-22.

Conditions:
JUP-related disorder. Also called: JUP-related condition.
Cardiovascular phenotype. Identifiers: MedGen CN230736.
Arrhythmogenic right ventricular dysplasia 12. Also called: ARRHYTHMOGENIC RIGHT VENTRICULAR DYSPLASIA, FAMILIAL, 12. Identifiers: MedGen C1969081, MONDO:0012684, OMIM 611528.
Naxos disease (NXD). Also called: CARDIOMYOPATHY, ARRHYTHMOGENIC RIGHT VENTRICULAR, WITH SKIN, HAIR, AND NAIL ABNORMALITIES; KERATOSIS PALMOPLANTARIS WITH ARRHYTHMOGENIC CARDIOMYOPATHY; MAL DE NAXOS; PALMOPLANTAR KERATODERMA WITH ARRHYTHMOGENIC RIGHT VENTRICULAR CARDIOMYOPATHY AND WOOLLY HAIR; WOOLLY HAIR, PALMOPLANTAR KERATODERMA, AND CARDIAC ABNORMALITIES. Identifiers: Orphanet 34217, MedGen C1832600, MONDO:0011017, OMIM 601214.

Allele frequency attached by ClinVar (database versions not stated): gnomAD exomes below 0.00001 and 0.00001; TOPMed 0.00001.
gnomAD v4.1: 12 of 1,614,170 alleles (0.00074%); highest among the groups gnomAD compares: Non-Finnish European, 0.001%; no homozygotes.

Submissions (3):

Labcorp Genetics (formerly Invitae), Labcorp
Classification: Uncertain significance for Arrhythmogenic right ventricular dysplasia 12; Naxos disease. Last evaluated: 2025-04-22. Review status: criteria provided, single submitter. Criteria: Invitae Variant Classification Sherloc (09022015). Collection method: clinical testing. Allele origin: germline.
Comment: This sequence change replaces methionine, which is neutral and non-polar, with isoleucine, which is neutral and non-polar, at codon 43 of the JUP protein (p.Met43Ile). This variant is present in population databases (no rsID available, gnomAD 0.0009%). This variant has not been reported in the literature in individuals affected with JUP-related conditions. ClinVar contains an entry for this variant (Variation ID: 1059332). An algorithm developed to predict the effect of missense changes on protein structure and function (PolyPhen-2) suggests that this variant is likely to be tolerated. In summary, the available evidence is currently insufficient to determine the role of this variant in disease. Therefore, it has been classified as a Variant of Uncertain Significance.

Ambry Genetics
Classification: Uncertain significance for Cardiovascular phenotype. Last evaluated: 2024-06-12. Review status: criteria provided, single submitter. Criteria: Ambry Variant Classification Scheme 2023. Collection method: clinical testing. Allele origin: germline.
Comment: The p.M43I variant (also known as c.129G>A), located in coding exon 1 of the JUP gene, results from a G to A substitution at nucleotide position 129. The methionine at codon 43 is replaced by isoleucine, an amino acid with highly similar properties. This amino acid position is conserved. In addition, this alteration is predicted to be tolerated by in silico analysis. Based on the available evidence, the clinical significance of this variant remains unclear.

PreventionGenetics, part of Exact Sciences
Classification: Uncertain significance for JUP-related condition. Last evaluated: 2024-08-23. Review status: no assertion criteria provided. Collection method: clinical testing. Allele origin: germline. Not counted in ClinVar's aggregate classification.
Comment: The JUP c.129G>A variant is predicted to result in the amino acid substitution p.Met43Ile. To our knowledge, this variant has not been reported in the literature. This variant is reported in 0.00088% of alleles in individuals of European (Non-Finnish) descent in gnomAD. At this time, the clinical significance of this variant is uncertain due to the absence of conclusive functional and genetic evidence.